The following is an entry in ClinVar:

ClinVar aggregate classification (germline): Likely benign. Review status: criteria provided, multiple submitters, no conflicts (2 of 4 stars). 2 submissions from 2 submitters: Likely benign (2). Last evaluated 2025-01-09.

Conditions:
Familial hypobetalipoproteinemia 1. Also called: Hypobetalipoproteinemia, normotriglyceridemic; Acanthocytosis with hypobetalipoproteinemia; APOB-Related Familial Hypobetalipoproteinemia. Identifiers: MedGen C4551990, MONDO:0014252, OMIM 615558.
Hypercholesterolemia, autosomal dominant, type B (FHCL2). Also called: APOB-Related Familial Hypercholesterolemia, Autosomal Dominant; Familial Hypercholesterolemia Type B; APOLIPOPROTEIN B-100, FAMILIAL DEFECTIVE; APOLIPOPROTEIN B-100, FAMILIAL LIGAND-DEFECTIVE; HYPERCHOLESTEROLEMIA, FAMILIAL, DUE TO LIGAND-DEFECTIVE APOLIPOPROTEIN B; Familial hypercholesterolemia 2. Identifiers: MedGen C1704417, MONDO:0007751, OMIM 144010.
Familial hypercholesterolemia. Also called: Familial hypercholesterolaemia; Familial hypercholesterolemias. Identifiers: MedGen C0020445, MONDO:0005439.

Submissions (2):

GENinCode PLC
Classification: Likely benign for Familial hypercholesterolemia. Last evaluated: 2025-01-09. Review status: criteria provided, single submitter. Criteria: ACMG Guidelines, 2015. Collection method: clinical testing. Allele origin: germline.
Comment: This is a synonymous (silent) variant that is not predicted to impact splicing and occurs at a nucleotide which is not highly conserved. This variant has been classified as Likely Benign (BP4, BP7).

Labcorp Genetics (formerly Invitae), Labcorp
Classification: Likely benign for Familial hypobetalipoproteinemia 1; Hypercholesterolemia, autosomal dominant, type B. Last evaluated: 2022-05-11. Review status: criteria provided, single submitter. Criteria: Invitae Variant Classification Sherloc (09022015). Collection method: clinical testing. Allele origin: germline.

NM_000384.3(APOB):c.9714T>C (p.Ser3238=)

Gene: APOB (apolipoprotein B; minus strand). Cytogenetic location: 2p24.1.
Variant type: single nucleotide variant.
Coding change: c.9714T>C on transcript NM_000384.3 (MANE Select); coding-DNA position 9714, T replaced by C.
Protein change: p.Ser3238=; no amino-acid change (serine 3238 retained).
Molecular consequence: synonymous variant.
Genome position (GRCh38, 1-based): chr2:21,007,154, A>G on the plus strand (T>C on the coding strand, the complement: APOB is on the minus strand). VCF-style: chr2-21007154-A-G. GRCh37 (hg19) VCF-style: chr2-21230026-A-G.
Other names: c.9714T>C (NM_000384.2).
Identifiers: ClinVar variation 1974394 (VCV001974394.6), dbSNP rs2465362206, ClinGen allele CA425344076.